The following is an entry in ClinVar:

NM_020631.6(PLEKHG5):c.2539C>T (p.Pro847Ser)

Gene: PLEKHG5 (pleckstrin homology and RhoGEF domain containing G5; minus strand). Cytogenetic location: 1p36.31.
Variant type: single nucleotide variant.
Coding change: c.2539C>T on transcript NM_020631.6 (MANE Select); coding-DNA position 2539, C replaced by T.
Protein change: p.Pro847Ser; replaces proline 847 with serine.
Molecular consequence: missense variant.
Genome position (GRCh38, 1-based): chr1:6,468,297, G>A on the plus strand (C>T on the coding strand, the complement: PLEKHG5 is on the minus strand). VCF-style: chr1-6468297-G-A. GRCh37 (hg19) VCF-style: chr1-6528357-G-A.
Other names: c.2539C>T, p.Pro847Ser (NM_001042665.2, NM_001265594.3, NM_198681.4 and 1 more transcripts); c.2650C>T, p.Pro884Ser (NM_001265592.2, NM_001042663.3); c.2746C>T, p.Pro916Ser (NM_001265593.2); short protein forms P847S, P884S, P916S.
Identifiers: ClinVar variation 1021544 (VCV001021544.6), dbSNP rs1390984037, ClinGen allele CA338116148.
Genomic context (GRCh38, chr1:6,468,297, plus strand): 5'-ACAGCTGGACAGGGGTGCGGCGGCGGAGACGGGGCGAGGGTGGAGGGGAAGGAACTCGTG[G>A]GGACTCTGGGGCCCGAGGCACTAGCTCTGCCATTGGGCCTGGGGCCACAAAGTCTTGTAA-3'
Protein context (NP_065682.2, residues 837-857): AELVPRAPES[Pro847Ser]RVPSPPPSPR

ClinVar aggregate classification (germline): Uncertain significance (1 of 4 stars; one submission).

Conditions:
Charcot-Marie-Tooth disease recessive intermediate C. Also called: CHARCOT-MARIE-TOOTH NEUROPATHY, RECESSIVE INTERMEDIATE C. Identifiers: Orphanet 369867, MedGen C3809309, MONDO:0014154, OMIM 615376.
Neuronopathy, distal hereditary motor, autosomal recessive 4. Also called: NEUROPATHY, DISTAL HEREDITARY MOTOR, AUTOSOMAL RECESSIVE 4; Autosomal recessive lower motor neuron disease with childhood onset. Identifiers: Orphanet 206580, MedGen C1970211, MONDO:0012608, OMIM 611067.

Allele frequency attached by ClinVar (database versions not stated): gnomAD exomes below 0.00001.

Submission:

Labcorp Genetics (formerly Invitae), Labcorp
Classification: Uncertain significance for Neuronopathy, distal hereditary motor, autosomal recessive 4; Charcot-Marie-Tooth disease recessive intermediate C. Last evaluated: 2021-08-28. Review status: criteria provided, single submitter. Criteria: Invitae Variant Classification Sherloc (09022015). Collection method: clinical testing. Allele origin: germline.
Comment: This sequence change replaces proline with serine at codon 847 of the PLEKHG5 protein (p.Pro847Ser). The proline residue is moderately conserved and there is a moderate physicochemical difference between proline and serine. This variant is not present in population databases (ExAC no frequency). This variant has not been reported in the literature in individuals affected with PLEKHG5-related conditions. Algorithms developed to predict the effect of missense changes on protein structure and function output the following: SIFT: "Tolerated"; PolyPhen-2: "Benign"; Align-GVGD: "Class C0". The serine amino acid residue is found in multiple mammalian species, which suggests that this missense change does not adversely affect protein function. In summary, the available evidence is currently insufficient to determine the role of this variant in disease. Therefore, it has been classified as a Variant of Uncertain Significance.